The following is an entry in ClinVar:

ClinVar aggregate classification (germline): Conflicting classifications of pathogenicity. Review status: criteria provided, conflicting classifications (1 of 4 stars). 16 submissions from 15 submitters: Uncertain significance (7); Benign (2); Likely benign (6). 1 of the submissions does not count toward it. Last evaluated 2026-07-01.

Conditions:
Hereditary cancer-predisposing syndrome. Also called: Hereditary neoplastic syndrome; Tumor predisposition; Neoplastic Syndromes, Hereditary; Hereditary Cancer Syndrome. Identifiers: Orphanet 140162, MedGen C0027672, MeSH D009386, MONDO:0015356.
Holoprosencephaly 7 (HPE7). Identifiers: Orphanet 2162, MedGen C1835820, MONDO:0012562, OMIM 610828.
Basal cell carcinoma, susceptibility to, 1. Also called: BCC1. Identifiers: MedGen C2751544, MONDO:0011556, OMIM 605462.
Gorlin syndrome. Also called: Nevoid Basal Cell Carcinoma Syndrome; Basal cell nevus syndrome. Identifiers: Orphanet 377, MedGen C0004779, MONDO:0007187.
PTCH1-related disorder. Also called: PTCH1-related disorders; PTCH1-related condition.

Allele frequency attached by ClinVar (database versions not stated): ExAC below 0.00001; 1000 Genomes Project 30x 0.00047; gnomAD 0.00063; TOPMed 0.00073; gnomAD exomes 0.00078.
gnomAD v4.1: 893 of 1,329,986 alleles (0.067%); highest among the groups gnomAD compares: East Asian, 0.15%; no homozygotes.

Submissions (16):

CeGaT Center for Human Genetics Tuebingen
Classification: Likely benign. Last evaluated: 2026-07-01. Review status: criteria provided, single submitter. Criteria: CeGaT Center For Human Genetics Tuebingen Variant Classification Criteria Version 2. Collection method: clinical testing. Allele origin: germline. Affected: yes. Observed: 16 variant alleles.
Comment: PTCH1: BS1

Labcorp Genetics (formerly Invitae), Labcorp
Classification: Benign for Gorlin syndrome. Last evaluated: 2026-01-31. Review status: criteria provided, single submitter. Criteria: Invitae Variant Classification Sherloc (09022015). Collection method: clinical testing. Allele origin: germline.

Center for Genomic Medicine, Rigshospitalet, Copenhagen University Hospital
Classification: Uncertain significance. Last evaluated: 2025-12-29. Review status: criteria provided, single submitter. Criteria: ACMG Guidelines, 2015. Collection method: clinical testing. Allele origin: germline.
Comment: Classification criteria: BP4

Dasa
Classification: Likely benign. Last evaluated: 2025-12-09. Review status: criteria provided, single submitter. Criteria: DASA Assertion Criteria. Collection method: clinical testing. Allele origin: germline.
Comment: NM_000264.5(PTCH1):c.37C>G (p.Arg13Gly) is a missense variant that results in the substitution of arginine with glycine. Based on the available data, this variant is classified as likely benign.

Mayo Clinic Laboratories, Mayo Clinic
Classification: Likely benign. Last evaluated: 2025-02-13. Review status: criteria provided, single submitter. Criteria: ACMG Guidelines, 2015. Collection method: clinical testing. Allele origin: germline. Observed: 4 variant alleles.
Comment: BS1, BP4

Blueprint Genetics
Classification: Likely benign. Last evaluated: 2024-11-27. Review status: criteria provided, single submitter. Criteria: ACMG Guidelines, 2015. Collection method: clinical testing. Allele origin: germline.

Women's Health and Genetics/Laboratory Corporation of America, LabCorp
Classification: Uncertain significance. Last evaluated: 2024-05-30. Review status: criteria provided, single submitter. Criteria: LabCorp Variant Classification Summary - May 2015. Collection method: clinical testing. Allele origin: germline.
Comment: Variant summary: PTCH1 c.37C>G (p.Arg13Gly) results in a non-conservative amino acid change in the encoded protein sequence. Three of five in-silico tools predict a benign effect of the variant on protein function. The variant allele was found at a frequency of 0.00078 in 8920 control chromosomes. The available data on variant occurrences in the general population are insufficient to allow any conclusion about variant significance. c.37C>G has been reported in the literature in one individual affected with Breast Cancer (Chan_2018). These report(s) do not provide unequivocal conclusions about association of the variant with Nevoid Basal Cell Carcinoma Syndrome (Gorlin Syndrome). To our knowledge, no experimental evidence demonstrating an impact on protein function has been reported. The following publication has been ascertained in the context of this evaluation (PMID: 30093976). ClinVar contains an entry for this variant (Variation ID: 188208). Based on the evidence outlined above, the variant was classified as uncertain significance.

Quest Diagnostics Nichols Institute San Juan Capistrano
Classification: Likely benign. Last evaluated: 2022-10-13. Review status: criteria provided, single submitter. Criteria: Quest Diagnostics criteria. Collection method: clinical testing. Allele origin: unknown.

Sema4
Classification: Benign for Hereditary cancer-predisposing syndrome. Last evaluated: 2022-01-04. Review status: criteria provided, single submitter. Criteria: Sema4 Curation Guidelines. Collection method: curation. Allele origin: germline.

Institute for Clinical Genetics, University Hospital TU Dresden, University Hospital TU Dresden
Classification: Uncertain significance. Last evaluated: 2021-11-03. Review status: criteria provided, single submitter. Criteria: ACMG Guidelines, 2015. Collection method: clinical testing. Allele origin: germline.

GeneDx
Classification: Uncertain significance. Last evaluated: 2021-11-02. Review status: criteria provided, single submitter. Criteria: GeneDx Variant Classification Process June 2021. Collection method: clinical testing. Allele origin: germline. Affected: yes.
Comment: Reported previously in an individual with breast cancer (Chan et al., 2018); In silico analysis supports that this missense variant does not alter protein structure/function; This variant is associated with the following publications: (PMID: 30093976)

Ambry Genetics
Classification: Likely benign for Hereditary cancer-predisposing syndrome. Last evaluated: 2019-07-01. Review status: criteria provided, single submitter. Criteria: Ambry Variant Classification Scheme 2023. Collection method: clinical testing. Allele origin: germline.

Fulgent Genetics
Classification: Uncertain significance for Basal cell nevus syndrome 1; Basal cell carcinoma, susceptibility to, 1; Holoprosencephaly 7. Last evaluated: 2018-10-31. Review status: criteria provided, single submitter. Criteria: ACMG Guidelines, 2015. Collection method: clinical testing. Allele origin: unknown.

Illumina Laboratory Services, Illumina
Classification: Uncertain significance for Holoprosencephaly 7. Last evaluated: 2018-01-12. Review status: criteria provided, single submitter. Criteria: ICSL Variant Classification Criteria 13 December 2019. Collection method: clinical testing. Allele origin: germline.

Illumina Laboratory Services, Illumina
Classification: Uncertain significance for Basal cell nevus syndrome 1. Last evaluated: 2018-01-12. Review status: criteria provided, single submitter. Criteria: ICSL Variant Classification Criteria 13 December 2019. Collection method: clinical testing. Allele origin: germline.

PreventionGenetics, part of Exact Sciences
Classification: Likely benign for PTCH1-related condition. Last evaluated: 2024-01-29. Review status: no assertion criteria provided. Collection method: clinical testing. Allele origin: germline. Not counted in ClinVar's aggregate classification.
Comment: This variant is classified as likely benign based on ACMG/AMP sequence variant interpretation guidelines (Richards et al. 2015 PMID: 25741868, with internal and published modifications).

Literature cited by the submitters: PubMed 30093976 (cited by Women's Health and Genetics/Laboratory Corporation of America, LabCorp and Quest Diagnostics Nichols Institute San Juan Capistrano).

NM_000264.5(PTCH1):c.37C>G (p.Arg13Gly)

Genes: PTCH1 (patched 1; minus strand), LOC130002133 (ATAC-STARR-seq lymphoblastoid silent region 20071; plus strand). Cytogenetic location: 9q22.32.
Variant type: single nucleotide variant.
Coding change: c.37C>G on transcript NM_000264.5 (MANE Select); coding-DNA position 37, C replaced by G.
Protein change: p.Arg13Gly; replaces arginine 13 with glycine.
Molecular consequence: missense variant. On other transcripts: non-coding transcript variant (1), intron variant (3).
Genome position (GRCh38, 1-based): chr9:95,508,325, G>C on the plus strand (C>G on the coding strand, the complement: PTCH1 is on the minus strand). VCF-style: chr9-95508325-G-C. GRCh37 (hg19) VCF-style: chr9-98270607-G-C.
Other names: p.Arg13Gly; c.37C>G, p.Arg13Gly (NM_001354918.2); c.199-1726C>G (NM_001083603.3); c.4-1726C>G (NM_001083602.3, NM_001354919.2); c.37C>G (NM_000264.4); short protein forms R13G.
Identifiers: ClinVar variation 188208 (VCV000188208.75), dbSNP rs779791579, ClinGen allele CA334329.